The following is an entry in ClinVar:

ClinVar aggregate classification (germline): Pathogenic. Review status: reviewed by expert panel (3 of 4 stars). 8 submissions from 8 submitters: Pathogenic (1). 7 of the submissions do not count toward it. Last evaluated 2024-03-25.

Conditions:
CDH1-related disorder. Also called: CDH1-related condition.
CDH1-related diffuse gastric and lobular breast cancer syndrome. Also called: CDH1-related diffuse gastric and lobular breast cancer. Identifiers: MedGen CN311521, MONDO:0100488.
Hereditary cancer-predisposing syndrome. Also called: Tumor predisposition; Hereditary Cancer Syndrome; Hereditary neoplastic syndrome; Neoplastic Syndromes, Hereditary. Identifiers: Orphanet 140162, MedGen C0027672, MeSH D009386, MONDO:0015356.
Hereditary diffuse gastric adenocarcinoma (HDGC). Also called: DIFFUSE GASTRIC AND LOBULAR BREAST CANCER SYNDROME. Identifiers: Orphanet 26106, MedGen C1708349, MONDO:0007648, OMIM 137215.
Familial cancer of breast. Also called: hereditary breast carcinoma; BREAST CANCER, FAMILIAL; Hereditary breast cancer. Identifiers: Orphanet 227535, MedGen C0346153, MONDO:0016419, OMIM 114480. Disease mechanism: loss of function.

Allele frequency attached by ClinVar (database versions not stated): gnomAD exomes below 0.00001; gnomAD 0.00001; TOPMed 0.00001.
gnomAD v4.1: 1 of 1,613,910 alleles (0.000062%); highest among the groups gnomAD compares: African/African-American, 0.0013%; no homozygotes.

Submissions (8):

Clingen Gastric Cancer Variant Curation Expert Panel
Classification: Pathogenic for CDH1-related diffuse gastric and lobular breast cancer syndrome. Last evaluated: 2024-03-25. Review status: reviewed by expert panel. Criteria: ClinGen CDH1 ACMG Specifications V3.1. Collection method: curation. Allele origin: germline. Inheritance: Autosomal dominant inheritance.
Comment: The c.1137+1G>A (NM_004360.5) variant in CDH1 occurs within the canonical splice donor site (+/- 1,2) of intron 8. It is predicted to cause a frameshift leading to nonsense mediated decay in a gene in which loss-of-function is an established disease mechanism (PVS1_strong, PM5_Supporitng). The highest population minor allele frequency in gnomAD v 2.1.1 is (0.00008) (2/24,962 alleles) in the African/African American population which is >1/50,000 alleles, thus, criterion is not met (PM2_Supporting). The variant has been reported to segregate with diffuse gastric cancer in 3 affected meioses from 1 family that fulfills the clinical HDGC criteria (PP1; PMIDs 10477433). This variant has been reported in 9 probands meeting hereditary diffuse gastric cancer criteria (PS4; PMIDs 26182300, 10477433, ClinVar SCVs SCV000288420.8, SCV000278454.7, Internal lab contributors). In summary, this variant meets criteria to be classified as pathogenic based on the ACMG/AMP criteria applied as specified by the CDH1 Variant Curation Expert Panel (Variant Interpretation Guidelines Version 3.1): PVS1_Strong, PS4, PS3, PM5_Supporting and PP1.

Women's Health and Genetics/Laboratory Corporation of America, LabCorp
Classification: Pathogenic for Hereditary diffuse gastric adenocarcinoma. Last evaluated: 2025-12-22. Review status: criteria provided, single submitter. Criteria: LabCorp Variant Classification Summary - May 2015. Collection method: clinical testing. Allele origin: germline. Not counted in ClinVar's aggregate classification.
Comment: Variant summary: CDH1 c.1137+1G>A is located in a canonical splice-site and is predicted to affect mRNA splicing resulting in a significantly altered protein due to either exon skipping, shortening, or inclusion of intronic material. Variants that disrupt the consensus splice site are a relatively common cause of aberrant splicing and loss of CDH1 function. Several computational tools predict a significant impact on normal splicing: Four predict the variant abolishes the canonical 5' splicing donor site. Experimental evidence was provided that this variant affects mRNA splicing (internal data). The variant allele was found at a frequency of 4e-06 in 251452 control chromosomes. c.1137+1G>A has been observed in multiple individuals affected with Hereditary Diffuse Gastric Cancer and segregated with disease (examples, Guilford_1999, Hansford_2015). These data indicate that the variant is likely to be associated with disease. One publication reports experimental evidence evaluating an impact on protein function, however, not all the required information were provided to evaluate the variant effect (Grady_2000). The following publications have been ascertained in the context of this evaluation (PMID: 10477433, 10973239, 26182300). ClinVar contains an entry for this variant (Variation ID: 233979). Based on the evidence outlined above, the variant was classified as pathogenic.

Labcorp Genetics (formerly Invitae), Labcorp
Classification: Pathogenic for Hereditary diffuse gastric adenocarcinoma. Last evaluated: 2025-08-07. Review status: criteria provided, single submitter. Criteria: Invitae Variant Classification Sherloc (09022015). Collection method: clinical testing. Allele origin: germline. Not counted in ClinVar's aggregate classification.
Comment: This sequence change affects a donor splice site in intron 8 of the CDH1 gene. RNA analysis indicates that disruption of this splice site induces altered splicing and may result in an absent or altered protein product. This variant is present in population databases (no rsID available, gnomAD 0.008%). Disruption of this splice site has been observed in individual(s) with diffuse gastric cancer (PMID: 10477433, 19725995). It has also been observed to segregate with disease in related individuals. ClinVar contains an entry for this variant (Variation ID: 233979). Studies have shown that disruption of this splice site results in activation of a cryptic splice site, and produces a non-functional protein and/or introduces a premature termination codon (internal data). For these reasons, this variant has been classified as Pathogenic.

Ambry Genetics
Classification: Pathogenic for Hereditary cancer-predisposing syndrome. Last evaluated: 2023-08-07. Review status: criteria provided, single submitter. Criteria: Ambry Variant Classification Scheme 2023. Collection method: clinical testing. Allele origin: germline. Not counted in ClinVar's aggregate classification.
Comment: The c.1137+1G>A intronic pathogenic mutation results from a G to A substitution 1 nucleotide after coding exon 8 of the CDH1 gene. This alteration was previously described in a family meeting clinical diagnostic criteria for Hereditary Diffuse Gastric Cancer syndrome (HDGC), in which 4 individuals were diagnosed with diffuse gastric cancer between ages 25-58 (Guilford PJ et al. Hum. Mutat. 1999;14(3):249-55). Another alteration affecting the same splice donor site (CDH1 c.1137G>A) has been observed in multiple HDGC families (Lynch HT et al. Fam Cancer. 2011 Dec;10(4):667-72; More H et al. Hum Mutat. 2007 Feb;28(2):203; Kaurah P et al. JAMA 2007 Jun; 297(21):2360-72; Pantelis D et al. Int J Colorectal Dis, 2016 Dec;31:1825-1833) and has been shown to cause abnormal splicing (Karam R et al. Oncogene. 2008 Jul 10;27(30):4255-60). This nucleotide position is highly conserved in available vertebrate species. In silico splice site analysis predicts that this alteration will weaken the native splice donor site. RNA studies have demonstrated that this alteration results in abnormal splicing in the set of samples tested (Ambry internal data). Based on the supporting evidence, this alteration is interpreted as a disease-causing mutation.

Baylor Genetics
Classification: Pathogenic for Familial cancer of breast. Last evaluated: 2022-12-15. Review status: criteria provided, single submitter. Criteria: ACMG Guidelines, 2015. Collection method: clinical testing. Allele origin: unknown. Not counted in ClinVar's aggregate classification.

GeneDx
Classification: Pathogenic. Last evaluated: 2018-11-26. Review status: criteria provided, single submitter. Criteria: GeneDx Variant Classification (06012015). Collection method: clinical testing. Allele origin: germline. Affected: yes. Not counted in ClinVar's aggregate classification.
Comment: This variant is denoted CDH1 c.1137+1G>A or IVS8+1G>A and consists of a G>A nucleotide substitution at the +1 position of intron 8 of the CDH1 gene. This variant destroys a canonical splice donor site and is predicted to cause abnormal gene splicing, leading to either an abnormal message that is subject to nonsense-mediated mRNA decay or to an abnormal protein product. This variant segregated in a kindred, with all four cases of diffuse gastric cancer (Guilford 1999). Based on the current evidence, we consider this variant to be pathogenic.

Quest Diagnostics Nichols Institute San Juan Capistrano
Classification: Likely pathogenic. Last evaluated: 2017-12-19. Review status: criteria provided, single submitter. Criteria: Quest Diagnostics criteria. Collection method: clinical testing. Allele origin: germline. Not counted in ClinVar's aggregate classification.

PreventionGenetics, part of Exact Sciences
Classification: Likely pathogenic for CDH1-related condition. Last evaluated: 2024-05-01. Review status: no assertion criteria provided. Collection method: clinical testing. Allele origin: germline. Not counted in ClinVar's aggregate classification.
Comment: The CDH1 c.1137+1G>A variant is predicted to disrupt the GT donor site and interfere with normal splicing. This variant has been reported in multiple individuals with gastric cancer (see for example, Table 1, Guilford et al. 1999. PubMed ID: 10477433; Table S5, Hansford et al. 2015. PubMed ID: 26182300; Marks et al. 2017. PubMed ID: 28195815). This variant has also been reported in multiple individuals with breast and ovarian cancers (Table S3, Palmer et al. 2020. PubMed ID: 32427313; Table 5, Mersch et al. 2018. PubMed ID: 30264118). This variant is reported in 0.0080% of alleles in individuals of African descent in gnomAD and it has been classified as likely pathogenic by an expert panel in the ClinVar database. Variants that disrupt the consensus splice donor site in CDH1 are expected to be pathogenic. This variant is interpreted as likely pathogenic.

Literature cited by the submitters: PubMed 10477433 (cited by 3 submitters); PubMed 10973239 (cited by Women's Health and Genetics/Laboratory Corporation of America, LabCorp); PubMed 26182300 (cited by Women's Health and Genetics/Laboratory Corporation of America, LabCorp); PubMed 19725995 (cited by Labcorp Genetics (formerly Invitae), Labcorp); PubMed 28195815 (cited by Ambry Genetics).

NM_004360.5(CDH1):c.1137+1G>A

Gene: CDH1 (cadherin 1; plus strand). Cytogenetic location: 16q22.1.
Variant type: single nucleotide variant.
Coding change: c.1137+1G>A on transcript NM_004360.5 (MANE Select); the canonical splice donor site of the intron after coding-DNA position 1137, G replaced by A.
Molecular consequence: splice donor variant.
Genome position (GRCh38, 1-based): chr16:68,812,264, G>A. VCF-style: chr16-68812264-G-A. GRCh37 (hg19) VCF-style: chr16-68846167-G-A.
Other names: c.-479+1G>A (NM_001317185.2); c.-683+1G>A (NM_001317186.2); c.1137+1G>A (NM_001317184.2).
Identifiers: ClinVar variation 233979 (VCV000233979.28), dbSNP rs876660771, ClinGen allele CA10580104.